The following is an entry in ClinVar:

ClinVar aggregate classification (germline): Likely benign (1 of 4 stars; one submission).

Conditions:
INPP5E-related disorder. Also called: INPP5E-related condition.

Submission:

PreventionGenetics, part of Exact Sciences
Classification: Likely benign for INPP5E-related condition. Last evaluated: 2025-06-13. Review status: criteria provided, single submitter. Criteria: ACMG Guidelines, 2015. Collection method: clinical testing. Allele origin: germline.
Comment: This variant is classified as likely benign based on ACMG/AMP sequence variant interpretation guidelines (Richards et al. 2015 PMID: 25741868, with internal and published modifications).

NM_019892.6(INPP5E):c.771C>T (p.Phe257=)

Gene: INPP5E (inositol polyphosphate-5-phosphatase E; minus strand). Cytogenetic location: 9q34.3.
Variant type: single nucleotide variant.
Coding change: c.771C>T on transcript NM_019892.6 (MANE Select); coding-DNA position 771, C replaced by T.
Protein change: p.Phe257=; no amino-acid change (phenylalanine 257 retained).
Molecular consequence: synonymous variant.
Genome position (GRCh38, 1-based): chr9:136,438,649, G>A on the plus strand (C>T on the coding strand, the complement: INPP5E is on the minus strand). VCF-style: chr9-136438649-G-A. GRCh37 (hg19) VCF-style: chr9-139333101-G-A.
Other names: c.771C>T, p.Phe257= (NM_001318502.2).
Identifiers: ClinVar variation 5002532 (VCV005002532.1).